The following is an entry in ClinVar:

NM_000188.3(HK1):c.1460T>C (p.Val487Ala)

Gene: HK1 (hexokinase 1; plus strand). Cytogenetic location: 10q22.1.
Variant type: single nucleotide variant.
Coding change: c.1460T>C on transcript NM_000188.3 (MANE Select); coding-DNA position 1460, T replaced by C.
Protein change: p.Val487Ala; replaces valine 487 with alanine.
Molecular consequence: missense variant.
Genome position (GRCh38, 1-based): chr10:69,382,681, T>C. VCF-style: chr10-69382681-T-C. GRCh37 (hg19) VCF-style: chr10-71142437-T-C.
Other names: c.1472T>C, p.Val491Ala (NM_001322364.2, NM_001358263.1, NM_033497.3 and 1 more transcripts); c.1565T>C, p.Val522Ala (NM_001322365.2); c.1376T>C, p.Val459Ala (NM_001322366.1); c.1364T>C, p.Val455Ala (NM_001322367.1); c.1457T>C, p.Val486Ala (NM_033496.3); c.1424T>C, p.Val475Ala (NM_033500.2); short protein forms V459A, V486A, V491A, V455A, V487A, V475A, V522A.
Identifiers: ClinVar variation 1500437 (VCV001500437.6), dbSNP rs1589571143, ClinGen allele CA376909980.

ClinVar aggregate classification (germline): Uncertain significance (1 of 4 stars; one submission).

Allele frequency attached by ClinVar (database versions not stated): gnomAD 0.00001.

Submission:

Labcorp Genetics (formerly Invitae), Labcorp
Classification: Uncertain significance. Last evaluated: 2023-08-24. Review status: criteria provided, single submitter. Criteria: Invitae Variant Classification Sherloc (09022015). Collection method: clinical testing. Allele origin: germline.
Comment: This sequence change replaces valine, which is neutral and non-polar, with alanine, which is neutral and non-polar, at codon 487 of the HK1 protein (p.Val487Ala). This variant is not present in population databases (gnomAD no frequency). This variant has not been reported in the literature in individuals affected with HK1-related conditions. ClinVar contains an entry for this variant (Variation ID: 1500437). Advanced modeling of protein sequence and biophysical properties (such as structural, functional, and spatial information, amino acid conservation, physicochemical variation, residue mobility, and thermodynamic stability) has been performed at Invitae for this missense variant, however the output from this modeling did not meet the statistical confidence thresholds required to predict the impact of this variant on HK1 protein function. In summary, the available evidence is currently insufficient to determine the role of this variant in disease. Therefore, it has been classified as a Variant of Uncertain Significance.